The following is an entry in ClinVar:

NM_003072.5(SMARCA4):c.802G>T (p.Val268Leu)

Gene: SMARCA4 (SWI/SNF related BAF chromatin remodeling complex subunit ATPase 4; plus strand). Cytogenetic location: 19p13.2.
Variant type: single nucleotide variant.
Coding change: c.802G>T on transcript NM_003072.5 (MANE Select); coding-DNA position 802, G replaced by T.
Protein change: p.Val268Leu; replaces valine 268 with leucine.
Molecular consequence: missense variant. On other transcripts: non-coding transcript variant (1).
Genome position (GRCh38, 1-based): chr19:10,986,946, G>T. VCF-style: chr19-10986946-G-T. GRCh37 (hg19) VCF-style: chr19-11097622-G-T.
Other names: c.802G>T, p.Val268Leu (NM_001128844.3, NM_001128845.2, NM_001128846.2 and 6 more transcripts); short protein forms V268L.
Identifiers: ClinVar variation 3381479 (VCV003381479.3).

ClinVar aggregate classification (germline): Uncertain significance. Review status: criteria provided, multiple submitters, no conflicts (2 of 4 stars). 2 submissions from 2 submitters: Uncertain significance (2). Last evaluated 2025-11-21.

Conditions:
Rhabdoid tumor predisposition syndrome 2 (RTPS2). Identifiers: Orphanet 231108, Orphanet 69077, MedGen C2750074, MONDO:0013224, OMIM 613325.

gnomAD v4.1: 1 of 1,611,356 alleles (0.000062%); highest among the groups gnomAD compares: Non-Finnish European, 0.000085%; no homozygotes.

Submissions (2):

GeneDx
Classification: Uncertain significance. Last evaluated: 2025-11-21. Review status: criteria provided, single submitter. Criteria: GeneDx Variant Classification Process June 2021. Collection method: clinical testing. Allele origin: germline.
Comment: Not observed at significant frequency in large population cohorts (gnomAD); In silico analysis suggests that this missense variant does not alter protein structure/function; Has not been previously published as pathogenic or benign to our knowledge

Labcorp Genetics (formerly Invitae), Labcorp
Classification: Uncertain significance for Rhabdoid tumor predisposition syndrome 2. Last evaluated: 2025-03-05. Review status: criteria provided, single submitter. Criteria: Invitae Variant Classification Sherloc (09022015). Collection method: clinical testing. Allele origin: germline.
Comment: This sequence change replaces valine, which is neutral and non-polar, with leucine, which is neutral and non-polar, at codon 268 of the SMARCA4 protein (p.Val268Leu). This variant is not present in population databases (gnomAD no frequency). This variant has not been reported in the literature in individuals affected with SMARCA4-related conditions. ClinVar contains an entry for this variant (Variation ID: 3381479). An algorithm developed to predict the effect of missense changes on protein structure and function (PolyPhen-2) suggests that this variant is likely to be tolerated. In summary, the available evidence is currently insufficient to determine the role of this variant in disease. Therefore, it has been classified as a Variant of Uncertain Significance.